The following is an entry in ClinVar:

NM_001372044.2(SHANK3):c.3216C>A (p.Leu1072=)

Gene: SHANK3 (SH3 and multiple ankyrin repeat domains 3; plus strand). Cytogenetic location: 22q13.33.
Variant type: single nucleotide variant.
Coding change: c.3216C>A on transcript NM_001372044.2 (MANE Select); coding-DNA position 3216, C replaced by A.
Protein change: p.Leu1072=; no amino-acid change (leucine 1072 retained).
Molecular consequence: synonymous variant.
Genome position (GRCh38, 1-based): chr22:50,720,824, C>A. VCF-style: chr22-50720824-C-A. GRCh37 (hg19) VCF-style: chr22-51159252-C-A.
Other names: c.2991C>A, p.Leu997= (NM_033517.1).
Identifiers: ClinVar variation 2653424 (VCV002653424.24), dbSNP rs1434952488, ClinGen allele CA515260396.

ClinVar aggregate classification (germline): Likely benign (1 of 4 stars; one submission).

Submission:

CeGaT Center for Human Genetics Tuebingen
Classification: Likely benign. Last evaluated: 2023-02-01. Review status: criteria provided, single submitter. Criteria: CeGaT Center For Human Genetics Tuebingen Variant Classification Criteria Version 2. Collection method: clinical testing. Allele origin: germline. Affected: yes. Observed: 1 variant allele.
Comment: SHANK3: BP4, BP7